The following is an entry in ClinVar:

NM_001282597.3(CTNNA2):c.853-26TG[7]

Gene: CTNNA2 (catenin alpha 2; plus strand). Cytogenetic location: 2p12.
Variant type: Microsatellite.
Coding change: c.853-26TG[7] on transcript NM_001282597.3 (MANE Select); seven copies in a row of the 2-base unit TG starting at c.853-26; the reference has eight copies in a row; one copy, 2 bases deleted.
Molecular consequence: intron variant.
Genome position (GRCh38, 1-based): chr2:79,909,582-79,909,583, TG deleted; deleting any 2 consecutive bases within chr2:79,909,568-79,909,583 gives the same sequence; the position shown is the placement nearest the transcript's 3' end. VCF-style (leftmost placement, unchanged base first): chr2-79909567-TTG-T. GRCh37 (hg19) VCF-style: chr2-80136693-TTG-T.
Other names: c.853-26TG[7] (NM_001399737.1, NM_004389.4, NM_001164883.2); c.955-26TG[7] (NM_001282598.2).
Identifiers: ClinVar variation 3055352 (VCV003055352.2), dbSNP rs370736531, ClinGen allele CA1735169.

ClinVar aggregate classification (germline): Likely benign (0 of 4 stars; one submission).

Conditions:
CTNNA2-related disorder. Also called: CTNNA2-related condition.

Submission:

PreventionGenetics, part of Exact Sciences
Classification: Likely benign for CTNNA2-related condition. Last evaluated: 2020-08-10. Review status: no assertion criteria provided. Collection method: clinical testing. Allele origin: germline.
Comment: This variant is classified as likely benign based on ACMG/AMP sequence variant interpretation guidelines (Richards et al. 2015 PMID: 25741868, with internal and published modifications).